The following is an entry in ClinVar:

NM_000271.5(NPC1):c.2241C>G (p.Phe747Leu)

Gene: NPC1 (NPC intracellular cholesterol transporter 1; minus strand). Cytogenetic location: 18q11.2.
Variant type: single nucleotide variant.
Coding change: c.2241C>G on transcript NM_000271.5 (MANE Select); coding-DNA position 2241, C replaced by G.
Protein change: p.Phe747Leu; replaces phenylalanine 747 with leucine.
Molecular consequence: missense variant.
Genome position (GRCh38, 1-based): chr18:23,543,459, G>C on the plus strand (C>G on the coding strand, the complement: NPC1 is on the minus strand). VCF-style: chr18-23543459-G-C. GRCh37 (hg19) VCF-style: chr18-21123423-G-C.
Other names: c.2241C>G (NM_000271.4); short protein forms F747L.
Identifiers: ClinVar variation 1946614 (VCV001946614.3), dbSNP rs2510342, ClinGen allele CA401770672.
Genomic context (GRCh38, chr18:23,543,459, plus strand): 5'-CTTCTTTCTCCAGGCTCAGCAGACTACAGGACTGGTAGGATTGAAAGCATAATTACCTAA[G>C]AAAAATGCTACAGTCTCAGAAAAGGATGACAGGAACATACTGGGAGCCACTTCTCCTAGG-3'
Protein context (NP_000262.2, residues 737-757): LSSFSETVAF[Phe747Leu]LGALSVMPAV

ClinVar aggregate classification (germline): Uncertain significance. Review status: criteria provided, single submitter (1 of 4 stars). 2 submissions from 2 submitters: Uncertain significance (1). 1 of the submissions does not count toward it. Last evaluated 2021-08-31.

Conditions:
Niemann-Pick disease, type C1. Also called: NIEMANN-PICK DISEASE, VARIANT TYPE C1; NEUROVISCERAL STORAGE DISEASE WITH VERTICAL SUPRANUCLEAR OPHTHALMOPLEGIA; NIEMANN-PICK DISEASE WITH CHOLESTEROL ESTERIFICATION BLOCK; NIEMANN-PICK DISEASE WITHOUT SPHINGOMYELINASE DEFICIENCY; NIEMANN-PICK DISEASE, CHRONIC NEURONOPATHIC FORM. Identifiers: Orphanet 646, MedGen C3179455, MONDO:0009757, OMIM 257220.

Allele frequency attached by ClinVar (database versions not stated): gnomAD exomes below 0.00001; gnomAD 0.00001.
gnomAD v4.1: 3 of 1,586,266 alleles (0.00019%); highest among the groups gnomAD compares: African/African-American, 0.0041%; no homozygotes.

Submissions (2):

Labcorp Genetics (formerly Invitae), Labcorp
Classification: Uncertain significance for Niemann-Pick disease, type C1. Last evaluated: 2021-08-31. Review status: criteria provided, single submitter. Criteria: Invitae Variant Classification Sherloc (09022015). Collection method: clinical testing. Allele origin: germline.
Comment: This sequence change replaces phenylalanine with leucine at codon 747 of the NPC1 protein (p.Phe747Leu). The phenylalanine residue is highly conserved and there is a small physicochemical difference between phenylalanine and leucine. This variant is not present in population databases (ExAC no frequency). This variant has not been reported in the literature in individuals affected with NPC1-related conditions. Algorithms developed to predict the effect of missense changes on protein structure and function are either unavailable or do not agree on the potential impact of this missense change (SIFT: "Tolerated"; PolyPhen-2: "Possibly Damaging"; Align-GVGD: "Class C0"). In summary, the available evidence is currently insufficient to determine the role of this variant in disease. Therefore, it has been classified as a Variant of Uncertain Significance.

Natera, Inc.
Classification: Uncertain significance for Niemann-Pick disease type C1. Last evaluated: 2025-05-14. Review status: no assertion criteria provided. Collection method: clinical testing. Allele origin: germline. Not counted in ClinVar's aggregate classification.